The following is an entry in ClinVar:

ClinVar aggregate classification (germline): Likely pathogenic (1 of 4 stars; one submission).

Conditions:
Autosomal recessive limb-girdle muscular dystrophy type 2J (LGMDR10). Also called: Limb-girdle muscular dystrophy, type 2J; MUSCULAR DYSTROPHY, LIMB-GIRDLE, AUTOSOMAL RECESSIVE 10. Identifiers: Orphanet 140922, MedGen C1837342, MONDO:0012127, OMIM 608807.
Dilated cardiomyopathy 1G (CMD1G). Identifiers: Orphanet 154, MedGen C1858763, MONDO:0011400, OMIM 604145.

Submission:

Labcorp Genetics (formerly Invitae), Labcorp
Classification: Likely pathogenic for Dilated cardiomyopathy 1G; Autosomal recessive limb-girdle muscular dystrophy type 2J. Last evaluated: 2024-03-26. Review status: criteria provided, single submitter. Criteria: Invitae Variant Classification Sherloc (09022015). Collection method: clinical testing. Allele origin: germline.
Comment: This sequence change affects a donor splice site in intron 277 of the TTN gene. It is expected to disrupt RNA splicing and likely results in a truncated or disrupted TTN protein. This variant is not present in population databases (gnomAD no frequency). This variant has not been reported in the literature in individuals affected with TTN-related conditions. Algorithms developed to predict the effect of sequence changes on RNA splicing suggest that this variant may disrupt the consensus splice site. This variant is located in the A band of TTN (PMID: 25589632). Truncating variants in this region are significantly overrepresented in patients affected with dilated cardiomyopathy (PMID: 25589632). Truncating variants in this region have also been reported in individuals affected with autosomal recessive centronuclear myopathy (PMID: 23975875). In summary, the currently available evidence indicates that the variant is pathogenic, but additional data are needed to prove that conclusively. Therefore, this variant has been classified as Likely Pathogenic.

Literature cited by the submitters: PubMed 25589632; PubMed 23975875.

NM_001267550.2(TTN):c.53287+2T>A

Genes: TTN (titin; minus strand), TTN-AS1 (TTN antisense RNA 1; plus strand), LOC126806425 (BRD4-independent group 4 enhancer GRCh37_chr2:179471933-179473132; plus strand). Cytogenetic location: 2q31.2.
Variant type: single nucleotide variant.
Coding change: c.53287+2T>A on transcript NM_001267550.2 (MANE Select); the canonical splice donor site of the intron after coding-DNA position 53287, T replaced by A.
Molecular consequence: splice donor variant.
Genome position (GRCh38, 1-based): chr2:178,607,399, A>T on the plus strand (T>A on the coding strand, the complement: TTN is on the minus strand). VCF-style: chr2-178607399-A-T. GRCh37 (hg19) VCF-style: chr2-179472126-A-T.
Other names: c.26092+2T>A (NM_003319.4); c.26668+2T>A (NM_133437.4); c.26467+2T>A (NM_133432.3); c.45583+2T>A (NM_133378.4); c.48364+2T>A (NM_001256850.1).
Identifiers: ClinVar variation 3754600 (VCV003754600.2).